The following is an entry in ClinVar:

NM_006329.4(FBLN5):c.245A>C (p.Asn82Thr)

Gene: FBLN5 (fibulin 5; minus strand). Cytogenetic location: 14q32.12.
Variant type: single nucleotide variant.
Coding change: c.245A>C on transcript NM_006329.4 (MANE Select); coding-DNA position 245, A replaced by C.
Protein change: p.Asn82Thr; replaces asparagine 82 with threonine.
Molecular consequence: missense variant.
Genome position (GRCh38, 1-based): chr14:91,937,081, T>G on the plus strand (A>C on the coding strand, the complement: FBLN5 is on the minus strand). VCF-style: chr14-91937081-T-G. GRCh37 (hg19) VCF-style: chr14-92403425-T-G.
Other names: c.368A>C, p.Asn123Thr (NM_001384158.1); c.296A>C, p.Asn99Thr (NM_001384159.1); c.245A>C, p.Asn82Thr (NM_001384160.1); c.77A>C, p.Asn26Thr (NM_001384161.1, NM_001384162.1); short protein forms N123T, N26T, N82T, N99T.
Identifiers: ClinVar variation 1172837 (VCV001172837.4), dbSNP rs759508064, ClinGen allele CA7312902.
Genomic context (GRCh38, chr14:91,937,081, plus strand): 5'-GGAGCTGAGAGTGGTGGGGCAGCTGCTGGGTACGGACCTGAGTAGGGGGTCGAGTAGGGG[T>G]TCGAGTAGGGCCCTCGATACACAGGGTTTGTCCGGGGAATGCATAAATACCCGCCATTTT-3'
Protein context (NP_006320.2, residues 72-92): TNPVYRGPYS[Asn82Thr]PYSTPYSGPY

ClinVar aggregate classification (germline): Uncertain significance. Review status: criteria provided, multiple submitters, no conflicts (2 of 4 stars). 2 submissions from 2 submitters: Uncertain significance (2). Last evaluated 2022-03-07.

Conditions:
Macular degeneration, age-related, 3 (ARMD3). Identifiers: Orphanet 280598, MedGen C1837187, MONDO:0012145, OMIM 608895.
Cutis laxa, autosomal recessive, type 1A (ARCL1A). Also called: Autosomal recessive cutis laxa type IA. Identifiers: Orphanet 90349, MedGen C5848058, MONDO:0009052, OMIM 219100.
Cutis laxa, autosomal dominant 2 (ADCL2). Identifiers: Orphanet 90348, MedGen C3280794, MONDO:0013751, OMIM 614434.
Charcot-Marie-Tooth disease, demyelinating, IIA 1H. Also called: Charcot-Marie-Tooth disease, demyelinating, type 1H; HEREDITARY MOTOR AND SENSORY NEUROPATHY, IH; CHARCOT-MARIE-TOOTH NEUROPATHY, TYPE 1H; NEUROPATHY, HEREDITARY, WITH OR WITHOUT AGE-RELATED MACULAR DEGENERATION. Identifiers: MedGen C5676926, MONDO:0030689, OMIM 619764.

Allele frequency attached by ClinVar (database versions not stated): TOPMed below 0.00001; ExAC 0.00001; gnomAD 0.00001; gnomAD exomes 0.00001.
gnomAD v4.1: 14 of 1,613,278 alleles (0.00087%); highest among the groups gnomAD compares: Non-Finnish European, 0.0012%; no homozygotes.

Submissions (2):

Fulgent Genetics
Classification: Uncertain significance for Cutis laxa, autosomal recessive, type 1A; Macular degeneration, age-related, 3; Cutis laxa, autosomal dominant 2; Charcot-Marie-Tooth disease, demyelinating, IIA 1H. Last evaluated: 2022-03-07. Review status: criteria provided, single submitter. Criteria: ACMG Guidelines, 2015. Collection method: clinical testing. Allele origin: unknown.

Institute of Human Genetics, University of Goettingen
Classification: Uncertain significance for Macular degeneration, age-related, 3. Last evaluated: 2021-06-18. Review status: criteria provided, single submitter. Criteria: ACMG Guidelines, 2015. Collection method: clinical testing. Allele origin: unknown. Inheritance: Autosomal dominant inheritance. Observed: 1 variant allele, 1 heterozygote.
Comment: The FBLN5 variant c.245A>C (p.(Asn82Thr)) is found at a population frequency of 0.0012% in the gnomAD database, it affects a weakly conserved nucleotide and a moderately conserved amino acid within a protein domain and there is a small physicochemical difference between Asn and Thr. This variant has a benign computational verdict based on 9 benign predictions from PolyPhen-2, SIFT, BayesDel_addAF, DANN, DEOGEN2, EIGEN, MVP, MutationAssessor and PrimateAI vs 4 pathogenic predictions from FATHMM-MKL, LIST-S2, M-CAP and MutationTaster. ACMG criteria used for classification: PM2, PP2, BP4.